The following is an entry in ClinVar:

NM_001458.5(FLNC):c.7890G>A (p.Lys2630=)

Genes: FLNC (filamin C; plus strand), FLNC-AS1 (FLNC antisense RNA 1; minus strand). Cytogenetic location: 7q32.1.
Variant type: single nucleotide variant.
Coding change: c.7890G>A on transcript NM_001458.5 (MANE Select); coding-DNA position 7890, G replaced by A.
Protein change: p.Lys2630=; no amino-acid change (lysine 2630 retained).
Molecular consequence: synonymous variant.
Genome position (GRCh38, 1-based): chr7:128,858,117, G>A. VCF-style: chr7-128858117-G-A. GRCh37 (hg19) VCF-style: chr7-128498171-G-A.
Other names: c.7791G>A, p.Lys2597= (NM_001127487.2).
Identifiers: ClinVar variation 4086541 (VCV004086541.1).
Genomic context (GRCh38, chr7:128,858,117, plus strand): 5'-GGTGGAGACTGTGACCAAGTCCTCCTCAAGCCGGGGCTCCAGCTACAGCTCCATCCCCAA[G>A]TTCTCCTCAGATGCCAGCAAGGTGGTGACTCGGGGCCCTGGGCTGTCCCAGGCCTTCGTG-3'
Protein context (NP_001449.3, residues 2620-2640): SRGSSYSSIP[Lys2630=]FSSDASKVVT

ClinVar aggregate classification (germline): Uncertain significance (1 of 4 stars; one submission).

gnomAD v4.1: 1 of 1,613,510 alleles (0.000062%); highest among the groups gnomAD compares: African/African-American, 0.0013%; no homozygotes.

Submission:

GeneDx
Classification: Uncertain significance. Last evaluated: 2025-03-17. Review status: criteria provided, single submitter. Criteria: GeneDx Variant Classification Process June 2021. Collection method: clinical testing. Allele origin: germline. Affected: yes.
Comment: Not observed at significant frequency in large population cohorts (gnomAD); Has not been previously published as pathogenic or benign to our knowledge; In silico analysis suggests this variant may impact gene splicing. In the absence of RNA/functional studies, the actual effect of this sequence change is unknown.